The following is an entry in ClinVar:

ClinVar aggregate classification (germline): Uncertain significance (1 of 4 stars; one submission).

Conditions:
Epidermolysis bullosa simplex 5B, with muscular dystrophy (EBS5B). Also called: EPIDERMOLYSIS BULLOSA SIMPLEX AND LIMB-GIRDLE MUSCULAR DYSTROPHY; Epidermolysis bullosa simplex with muscular dystrophy. Identifiers: Orphanet 257, MedGen C2931072, MONDO:0009181, OMIM 226670.
Epidermolysis bullosa simplex, Ogna type (EBS5A). Also called: Pidermolysis bullosa simplex 5A, Ogna type; EPIDERMOLYSIS BULLOSA SIMPLEX 5A, OGNA TYPE. Identifiers: Orphanet 79401, MedGen C0432317, MONDO:0007555, OMIM 131950.
Epidermolysis bullosa simplex 5C, with pyloric atresia (EBS5C). Also called: PLEC-Related Epidermolysis Bullosa with Pyloric Atresia; Epidermolysis bullosa simplex with pyloric atresia; PLEC1-Related Epidermolysis Bullosa with Pyloric Atresia. Identifiers: Orphanet 158684, MedGen C2677349, MONDO:0012807, OMIM 612138.
Autosomal recessive limb-girdle muscular dystrophy type 2Q (LGMDR17). Also called: MUSCULAR DYSTROPHY, LIMB-GIRDLE, AUTOSOMAL RECESSIVE 17. Identifiers: Orphanet 254361, MedGen C3150989, MONDO:0013390, OMIM 613723.
Epidermolysis bullosa simplex with nail dystrophy (EBS5D). Identifiers: MedGen C4225309, MONDO:0014661, OMIM 616487.

Allele frequency attached by ClinVar (database versions not stated): ExAC 0.00001; gnomAD 0.00001; 1000 Genomes Project 0.00020; 1000 Genomes Project 30x 0.00031.
gnomAD v4.1: 2 of 1,613,636 alleles (0.00012%); highest among the groups gnomAD compares: Admixed American, 0.0017%; no homozygotes.

Submission:

Labcorp Genetics (formerly Invitae), Labcorp
Classification: Uncertain significance for Autosomal recessive limb-girdle muscular dystrophy type 2Q; Epidermolysis bullosa simplex, Ogna type; Epidermolysis bullosa simplex with nail dystrophy; Epidermolysis bullosa simplex 5C, with pyloric atresia; Epidermolysis bullosa simplex 5B, with muscular dystrophy. Last evaluated: 2024-10-24. Review status: criteria provided, single submitter. Criteria: Invitae Variant Classification Sherloc (09022015). Collection method: clinical testing. Allele origin: germline.
Comment: This sequence change replaces alanine, which is neutral and non-polar, with valine, which is neutral and non-polar, at codon 2916 of the PLEC protein (p.Ala2916Val). The frequency data for this variant in the population databases is considered unreliable, as metrics indicate poor data quality at this position in the gnomAD database. This variant has not been reported in the literature in individuals affected with PLEC-related conditions. ClinVar contains an entry for this variant (Variation ID: 2145920). An algorithm developed to predict the effect of missense changes on protein structure and function outputs the following: PolyPhen-2: "Possibly Damaging". The valine amino acid residue is found in multiple mammalian species, which suggests that this missense change does not adversely affect protein function. In summary, the available evidence is currently insufficient to determine the role of this variant in disease. Therefore, it has been classified as a Variant of Uncertain Significance.

NM_201384.3(PLEC):c.8666C>T (p.Ala2889Val)

Gene: PLEC (plectin; minus strand). Cytogenetic location: 8q24.3.
Variant type: single nucleotide variant.
Coding change: c.8666C>T on transcript NM_201384.3 (MANE Select); coding-DNA position 8666, C replaced by T.
Protein change: p.Ala2889Val; replaces alanine 2889 with valine.
Molecular consequence: missense variant.
Genome position (GRCh38, 1-based): chr8:143,921,155, G>A on the plus strand (C>T on the coding strand, the complement: PLEC is on the minus strand). VCF-style: chr8-143921155-G-A. GRCh37 (hg19) VCF-style: chr8-144995323-G-A.
Other names: c.8666C>T, p.Ala2889Val (NM_201382.4); c.8678C>T, p.Ala2893Val (NM_201383.3); c.8747C>T, p.Ala2916Val (NM_000445.5); c.5366C>T, p.Ala1789Val (NM_001410941.1); c.8624C>T, p.Ala2875Val (NM_201378.4); c.8600C>T, p.Ala2867Val (NM_201379.3); c.9077C>T, p.Ala3026Val (NM_201380.4); c.8570C>T, p.Ala2857Val (NM_201381.3); short protein forms A2857V, A2893V, A2889V, A3026V, A1789V, A2875V, A2867V, A2916V.
Identifiers: ClinVar variation 2145920 (VCV002145920.4), dbSNP rs575028758, ClinGen allele CA4925223.